The following is an entry in ClinVar:

NM_033109.5(PNPT1):c.1027G>A (p.Val343Ile)

Gene: PNPT1 (polyribonucleotide nucleotidyltransferase 1; minus strand). Cytogenetic location: 2p16.1.
Variant type: single nucleotide variant.
Coding change: c.1027G>A on transcript NM_033109.5 (MANE Select); coding-DNA position 1027, G replaced by A.
Protein change: p.Val343Ile; replaces valine 343 with isoleucine.
Molecular consequence: missense variant.
Genome position (GRCh38, 1-based): chr2:55,667,908, C>T on the plus strand (G>A on the coding strand, the complement: PNPT1 is on the minus strand). VCF-style: chr2-55667908-C-T. GRCh37 (hg19) VCF-style: chr2-55895043-C-T.
Other names: short protein forms V343I.
Identifiers: ClinVar variation 2754984 (VCV002754984.3), dbSNP rs766839497, ClinGen allele CA346929235.

ClinVar aggregate classification (germline): Uncertain significance (1 of 4 stars; one submission).

gnomAD v4.1: 1 of 1,583,686 alleles (0.000063%); highest among the groups gnomAD compares: Non-Finnish European, 0.000085%; no homozygotes.

Submission:

Labcorp Genetics (formerly Invitae), Labcorp
Classification: Uncertain significance. Last evaluated: 2023-05-31. Review status: criteria provided, single submitter. Criteria: Invitae Variant Classification Sherloc (09022015). Collection method: clinical testing. Allele origin: germline.
Comment: In summary, the available evidence is currently insufficient to determine the role of this variant in disease. Therefore, it has been classified as a Variant of Uncertain Significance. Advanced modeling of protein sequence and biophysical properties (such as structural, functional, and spatial information, amino acid conservation, physicochemical variation, residue mobility, and thermodynamic stability) performed at Invitae indicates that this missense variant is not expected to disrupt PNPT1 protein function. This variant has not been reported in the literature in individuals affected with PNPT1-related conditions. This variant is not present in population databases (gnomAD no frequency). This sequence change replaces valine, which is neutral and non-polar, with isoleucine, which is neutral and non-polar, at codon 343 of the PNPT1 protein (p.Val343Ile).